The following is an entry in ClinVar:

ClinVar aggregate classification (germline): Uncertain significance (1 of 4 stars; one submission).

Conditions:
Charcot-Marie-Tooth disease type 4. Also called: Charcot-Marie-Tooth, Type 4; Charcot-Marie-Tooth disease, type IV. Identifiers: Orphanet 64749, MedGen C4082197, MONDO:0018995.

Allele frequency attached by ClinVar (database versions not stated): ExAC 0.00001; gnomAD 0.00001; gnomAD exomes 0.00001; TOPMed 0.00001.
gnomAD v4.1: 5 of 1,612,590 alleles (0.00031%); highest among the groups gnomAD compares: African/African-American, 0.0067%; no homozygotes.

Submission:

Labcorp Genetics (formerly Invitae), Labcorp
Classification: Uncertain significance for Charcot-Marie-Tooth disease type 4. Last evaluated: 2023-08-17. Review status: criteria provided, single submitter. Criteria: Invitae Variant Classification Sherloc (09022015). Collection method: clinical testing. Allele origin: germline.
Comment: This sequence change replaces glutamic acid, which is acidic and polar, with glutamine, which is neutral and polar, at codon 298 of the FIG4 protein (p.Glu298Gln). This variant is present in population databases (rs763234215, gnomAD 0.008%). In summary, the available evidence is currently insufficient to determine the role of this variant in disease. Therefore, it has been classified as a Variant of Uncertain Significance. An algorithm developed to predict the effect of missense changes on protein structure and function (PolyPhen-2) suggests that this variant is likely to be disruptive. ClinVar contains an entry for this variant (Variation ID: 2191799). This variant has not been reported in the literature in individuals affected with FIG4-related conditions.

NM_014845.6(FIG4):c.892G>C (p.Glu298Gln)

Gene: FIG4 (FIG4 phosphoinositide 5-phosphatase; plus strand). Cytogenetic location: 6q21.
Variant type: single nucleotide variant.
Coding change: c.892G>C on transcript NM_014845.6 (MANE Select); coding-DNA position 892, G replaced by C.
Protein change: p.Glu298Gln; replaces glutamic acid 298 with glutamine.
Molecular consequence: missense variant.
Genome position (GRCh38, 1-based): chr6:109,743,125, G>C. VCF-style: chr6-109743125-G-C. GRCh37 (hg19) VCF-style: chr6-110064328-G-C.
Other names: short protein forms E298Q.
Identifiers: ClinVar variation 2191799 (VCV002191799.4), dbSNP rs763234215, ClinGen allele CA3955939.